The following is an entry in ClinVar:

NM_006662.3(SRCAP):c.2630+9G>A

Gene: SRCAP (Snf2 related CREBBP activator protein; plus strand). Cytogenetic location: 16p11.2.
Variant type: single nucleotide variant.
Coding change: c.2630+9G>A on transcript NM_006662.3 (MANE Select); 9 bases into the intron after coding-DNA position 2630, G replaced by A.
Molecular consequence: intron variant.
Genome position (GRCh38, 1-based): chr16:30,716,211, G>A. VCF-style: chr16-30716211-G-A. GRCh37 (hg19) VCF-style: chr16-30727532-G-A.
Identifiers: ClinVar variation 3029324 (VCV003029324.2), dbSNP rs2506646143, ClinGen allele CA2575971098.
Genomic context (GRCh38, chr16:30,716,211, plus strand): 5'-GGCTCTCCAAGCGTCAACGCTGTCTCTATGATGACTTCATGGCACAGACCACGTAAGGGA[G>A]GAAGGAGGGTGGGCCCTGGGACTCGAGATTGGAGTGTAGGTGGCTGTTAGGACGTCTCAT-3'

ClinVar aggregate classification (germline): Likely benign (0 of 4 stars; one submission).

Conditions:
SRCAP-related disorder. Also called: SRCAP-related condition.

Allele frequency attached by ClinVar (database versions not stated): gnomAD exomes below 0.00001.
gnomAD v4.1: 3 of 1,614,012 alleles (0.00019%); highest among the groups gnomAD compares: South Asian, 0.0033%; no homozygotes.

Submission:

PreventionGenetics, part of Exact Sciences
Classification: Likely benign for SRCAP-related condition. Last evaluated: 2021-07-05. Review status: no assertion criteria provided. Collection method: clinical testing. Allele origin: germline.
Comment: This variant is classified as likely benign based on ACMG/AMP sequence variant interpretation guidelines (Richards et al. 2015 PMID: 25741868, with internal and published modifications).